The following is an entry in ClinVar:

ClinVar aggregate classification (germline): Pathogenic (1 of 4 stars; one submission).

Conditions:
Immunodeficiency 27A (IMD27A). Also called: IFNGR1 DEFICIENCY, AUTOSOMAL RECESSIVE; IMMUNODEFICIENCY 27A, MYCOBACTERIOSIS, AUTOSOMAL RECESSIVE. Identifiers: Orphanet 319569, Orphanet 99898, MedGen C4011949, MONDO:0008856, OMIM 209950.

Submission:

Labcorp Genetics (formerly Invitae), Labcorp
Classification: Pathogenic for Disseminated atypical mycobacterial infection. Last evaluated: 2019-12-23. Review status: criteria provided, single submitter. Criteria: Invitae Variant Classification Sherloc (09022015). Collection method: clinical testing. Allele origin: germline.
Comment: A gross deletion of the genomic region encompassing the full coding sequence of the IFNGR1 gene has been identified. The boundaries of this event are unknown as the deletion extends beyond the assayed region for this gene and therefore may encompass additional genes. This variant has not been reported in the literature in individuals with IFNGR1-related conditions. Loss-of-function variants in IFNGR1 are known to be pathogenic (PMID: 8960473, 9806040). For these reasons, this variant has been classified as Pathogenic.

NC_000006.11:g.(?_136482728)_(137540520_?)del

Genes: IL22RA2 (interleukin 22 receptor subunit alpha 2; minus strand), IFNGR1 (interferon gamma receptor 1; minus strand), MAP7 (microtubule associated protein 7; minus strand), IL20RA (interleukin 20 receptor subunit alpha; minus strand), PDE7B (phosphodiesterase 7B; plus strand) and 5 more. Cytogenetic location: 6q23.3.
Variant type: Deletion.
Identifiers: ClinVar variation 830657 (VCV000830657.1).